The following is an entry in ClinVar:

ClinVar aggregate classification (germline): Uncertain significance (1 of 4 stars; one submission).

Submission:

Labcorp Genetics (formerly Invitae), Labcorp
Classification: Uncertain significance. Last evaluated: 2021-07-15. Review status: criteria provided, single submitter. Criteria: Invitae Variant Classification Sherloc (09022015). Collection method: clinical testing. Allele origin: germline.
Comment: In summary, the available evidence is currently insufficient to determine the role of this variant in disease. Therefore, it has been classified as a Variant of Uncertain Significance. Algorithms developed to predict the effect of missense changes on protein structure and function (SIFT, PolyPhen-2, Align-GVGD) all suggest that this variant is likely to be tolerated. This variant has not been reported in the literature in individuals affected with KIAA1549-related conditions. This variant is not present in population databases (ExAC no frequency). This sequence change replaces valine with isoleucine at codon 432 of the KIAA1549 protein (p.Val432Ile). The valine residue is weakly conserved and there is a small physicochemical difference between valine and isoleucine.

NM_001164665.2(KIAA1549):c.1294G>A (p.Val432Ile)

Gene: KIAA1549 (KIAA1549; minus strand). Cytogenetic location: 7q34.
Variant type: single nucleotide variant.
Coding change: c.1294G>A on transcript NM_001164665.2 (MANE Select); coding-DNA position 1294, G replaced by A.
Protein change: p.Val432Ile; replaces valine 432 with isoleucine.
Molecular consequence: missense variant.
Genome position (GRCh38, 1-based): chr7:138,918,332, C>T on the plus strand (G>A on the coding strand, the complement: KIAA1549 is on the minus strand). VCF-style: chr7-138918332-C-T. GRCh37 (hg19) VCF-style: chr7-138603078-C-T.
Other names: c.1294G>A, p.Val432Ile (NM_020910.3); short protein forms V432I.
Identifiers: ClinVar variation 1367743 (VCV001367743.8), dbSNP rs2130481362, ClinGen allele CA369399300.